The following is an entry in ClinVar:

ClinVar aggregate classification (germline): Likely benign. Review status: criteria provided, multiple submitters, no conflicts (2 of 4 stars). 2 submissions from 2 submitters: Likely benign (2). Last evaluated 2026-07-01.

Allele frequency attached by ClinVar (database versions not stated): 1000 Genomes Project 30x 0.00031; ESP Exome Variant Server 0.00031; TOPMed 0.00034; gnomAD 0.00036; 1000 Genomes Project 0.00040; ExAC 0.00041.
gnomAD v4.1: 603 of 1,614,132 alleles (0.037%); highest among the groups gnomAD compares: South Asian, 0.13%; 2 homozygotes.

Submissions (2):

CeGaT Center for Human Genetics Tuebingen
Classification: Likely benign. Last evaluated: 2026-07-01. Review status: criteria provided, single submitter. Criteria: CeGaT Center For Human Genetics Tuebingen Variant Classification Criteria Version 2. Collection method: clinical testing. Allele origin: germline. Affected: yes. Observed: 2 variant alleles.
Comment: GOLGA2: BP4, BP7

Blueprint Genetics
Classification: Likely benign. Last evaluated: 2024-10-25. Review status: criteria provided, single submitter. Criteria: ACMG Guidelines, 2015. Collection method: clinical testing. Allele origin: germline.

NM_001366244.2(GOLGA2):c.2997C>T (p.Asn999=)

Gene: GOLGA2 (golgin A2; minus strand). Cytogenetic location: 9q34.11.
Variant type: single nucleotide variant.
Coding change: c.2997C>T on transcript NM_001366244.2 (MANE Select); coding-DNA position 2997, C replaced by T.
Protein change: p.Asn999=; no amino-acid change (asparagine 999 retained).
Molecular consequence: synonymous variant.
Genome position (GRCh38, 1-based): chr9:128,257,160, G>A on the plus strand (C>T on the coding strand, the complement: GOLGA2 is on the minus strand). VCF-style: chr9-128257160-G-A. GRCh37 (hg19) VCF-style: chr9-131019439-G-A.
Other names: c.2916C>T, p.Asn972= (NM_001366246.2, NM_004486.6); c.2982C>T, p.Asn994= (NM_001389695.2); c.2979C>T, p.Asn993= (NM_001389696.2); c.2904C>T, p.Asn968= (NM_001389697.2); c.2898C>T, p.Asn966= (NM_001389698.2); c.2877C>T, p.Asn959= (NM_001389699.2, NM_001389700.2); c.2835C>T, p.Asn945= (NM_001389701.2); c.2811C>T, p.Asn937= (NM_001389702.2); and 3 more.
Identifiers: ClinVar variation 2659529 (VCV002659529.25), dbSNP rs150141269, ClinGen allele CA5258554.